The following is an entry in ClinVar:

NM_001261826.3(AP3D1):c.2786A>G (p.Lys929Arg)

Gene: AP3D1 (adaptor related protein complex 3 subunit delta 1; minus strand). Cytogenetic location: 19p13.3.
Variant type: single nucleotide variant.
Coding change: c.2786A>G on transcript NM_001261826.3 (MANE Select); coding-DNA position 2786, A replaced by G.
Protein change: p.Lys929Arg; replaces lysine 929 with arginine.
Molecular consequence: missense variant. On other transcripts: intron variant (1).
Genome position (GRCh38, 1-based): chr19:2,112,861, T>C on the plus strand (A>G on the coding strand, the complement: AP3D1 is on the minus strand). VCF-style: chr19-2112861-T-C. GRCh37 (hg19) VCF-style: chr19-2112860-T-C.
Other names: c.2750A>G, p.Lys917Arg (NM_001374799.1); c.2602-1033A>G (NM_003938.8); short protein forms K917R, K929R.
Identifiers: ClinVar variation 2198557 (VCV002198557.5), dbSNP rs202112099, ClinGen allele CA9058736.

ClinVar aggregate classification (germline): Uncertain significance (1 of 4 stars; one submission).

Allele frequency attached by ClinVar (database versions not stated): ExAC 0.00003; gnomAD 0.00005; ESP Exome Variant Server 0.00008; TOPMed 0.00008.
gnomAD v4.1: 178 of 1,609,382 alleles (0.011%); highest among the groups gnomAD compares: Non-Finnish European, 0.014%; no homozygotes.

Submissions (2):

Labcorp Genetics (formerly Invitae), Labcorp
Classification: Uncertain significance. Last evaluated: 2024-11-27. Review status: criteria provided, single submitter. Criteria: Invitae Variant Classification Sherloc (09022015). Collection method: clinical testing. Allele origin: germline.
Comment: This sequence change replaces lysine, which is basic and polar, with arginine, which is basic and polar, at codon 929 of the AP3D1 protein (p.Lys929Arg). This variant is present in population databases (rs202112099, gnomAD 0.007%). This variant has not been reported in the literature in individuals affected with AP3D1-related conditions. ClinVar contains an entry for this variant (Variation ID: 2198557). An algorithm developed to predict the effect of missense changes on protein structure and function outputs the following: PolyPhen-2: "Benign". The arginine amino acid residue is found in multiple mammalian species, which suggests that this missense change does not adversely affect protein function. In summary, the available evidence is currently insufficient to determine the role of this variant in disease. Therefore, it has been classified as a Variant of Uncertain Significance.

Dr. Peter K. Rogan Lab, Western University
No classification provided (evidence only). Condition: Uterine corpus endometrial carcinoma. Review status: no classification provided. Collection method: in vitro. Allele origin: not applicable. Functional consequence: skipped exon, retained intron. Not counted in ClinVar's aggregate classification.